The following is an entry in ClinVar:

ClinVar aggregate classification (germline): Conflicting classifications of pathogenicity. Review status: criteria provided, conflicting classifications (1 of 4 stars). 2 submissions from 2 submitters: Uncertain significance (1); Likely benign (1). Last evaluated 2024-11-24.

Conditions:
Hereditary diffuse gastric adenocarcinoma (HDGC). Also called: DIFFUSE GASTRIC AND LOBULAR BREAST CANCER SYNDROME. Identifiers: Orphanet 26106, MedGen C1708349, MONDO:0007648, OMIM 137215.

Submissions (2):

Labcorp Genetics (formerly Invitae), Labcorp
Classification: Likely benign for Hereditary diffuse gastric adenocarcinoma. Last evaluated: 2024-11-24. Review status: criteria provided, single submitter. Criteria: Invitae Variant Classification Sherloc (09022015). Collection method: clinical testing. Allele origin: germline.

Women's Health and Genetics/Laboratory Corporation of America, LabCorp
Classification: Uncertain significance. Last evaluated: 2022-10-03. Review status: criteria provided, single submitter. Criteria: LabCorp Variant Classification Summary - May 2015. Collection method: clinical testing. Allele origin: germline.
Comment: Variant summary: CDH1 c.2440-18_2440-10delTTGTCCCTT alters a non-conserved nucleotide located close to a canonical splice site and therefore could affect mRNA splicing, leading to a significantly altered protein sequence. Several computational tools predict a significant impact on normal splicing: Three predict the variant weakens a 3' acceptor site. One predict the variant strengthens a 3' acceptor site. However, these predictions have yet to be confirmed by functional studies. The variant was absent in 251230 control chromosomes. The available data on variant occurrences in the general population are insufficient to allow any conclusion about variant significance. To our knowledge, no occurrence of c.2440-18_2440-10delTTGTCCCTT in individuals affected with Breast Cancer and no experimental evidence demonstrating its impact on protein function have been reported. No clinical diagnostic laboratories have submitted clinical-significance assessments for this variant to ClinVar after 2014. Based on the evidence outlined above, the variant was classified as uncertain significance.

NM_004360.5(CDH1):c.2440-18_2440-10del

Gene: CDH1 (cadherin 1; plus strand). Cytogenetic location: 16q22.1.
Variant type: Deletion.
Coding change: c.2440-18_2440-10del on transcript NM_004360.5 (MANE Select); 18 bases into the intron before coding-DNA position 2440 through 10 bases into the intron before coding-DNA position 2440, 9 bases deleted (TTGTCCCTT; older notation c.2440-18_2440-10delTTGTCCCTT).
Molecular consequence: intron variant.
Genome position (GRCh38, 1-based): chr16:68,833,272-68,833,280, TTGTCCCTT deleted; deleting any 9 consecutive bases within chr16:68,833,269-68,833,280 gives the same sequence; the c. name uses the placement nearest the transcript's 3' end. VCF-style (leftmost placement, unchanged base first): chr16-68833268-GCTTTTGTCC-G. GRCh37 (hg19) VCF-style: chr16-68867171-GCTTTTGTCC-G.
Other names: c.892-18_892-10del (NM_001317185.2); c.475-18_475-10del (NM_001317186.2); c.2257-18_2257-10del (NM_001317184.2).
Identifiers: ClinVar variation 1723384 (VCV001723384.3), dbSNP rs2543963853, ClinGen allele CA2580091855.